The following is an entry in ClinVar:

ClinVar aggregate classification (germline): Pathogenic/Likely pathogenic. Review status: criteria provided, multiple submitters, no conflicts (2 of 4 stars). 2 submissions from 2 submitters: Pathogenic (1); Likely pathogenic (1). Last evaluated 2024-06-21.

Conditions:
Hypertrophic cardiomyopathy. Also called: HYPERTROPHIC MYOCARDIOPATHY. Identifiers: Orphanet 217569, MedGen C0007194, MeSH D002312, MONDO:0005045, HP:0001639.
Congenital muscular dystrophy. Identifiers: Orphanet 97242, MedGen C0699743, MONDO:0019950. Disease mechanism: loss of function.

Submissions (2):

Labcorp Genetics (formerly Invitae), Labcorp
Classification: Pathogenic for Hypertrophic cardiomyopathy. Last evaluated: 2024-06-21. Review status: criteria provided, single submitter. Criteria: Invitae Variant Classification Sherloc (09022015). Collection method: clinical testing. Allele origin: germline.
Comment: This sequence change replaces leucine, which is neutral and non-polar, with proline, which is neutral and non-polar, at codon 1667 of the MYH7 protein (p.Leu1667Pro). This variant is not present in population databases (gnomAD no frequency). This missense change has been observed in individual(s) with congenital myopathy (PMID: 34440373). In at least one individual the variant was observed to be de novo. Advanced modeling of protein sequence and biophysical properties (such as structural, functional, and spatial information, amino acid conservation, physicochemical variation, residue mobility, and thermodynamic stability) performed at Invitae indicates that this missense variant is expected to disrupt MYH7 protein function with a positive predictive value of 95%. For these reasons, this variant has been classified as Pathogenic.

Cambridge Genomics Laboratory, East Genomic Laboratory Hub, NHS Genomic Medicine Service
Classification: Likely pathogenic for Congenital muscular dystrophy. Last evaluated: 2018-09-20. Review status: criteria provided, single submitter. Criteria: ACGS Best Practice Guidelines for Variant Classification in Rare Disease 2020. Collection method: clinical testing. Allele origin: germline. Affected: yes. Observed: 1 variant allele.

Literature cited by the submitters: PubMed 34440373 (cited by Labcorp Genetics (formerly Invitae), Labcorp).

NM_000257.4(MYH7):c.5000T>C (p.Leu1667Pro)

Genes: MHRT (myosin heavy chain associated RNA transcript; plus strand), MYH7 (myosin heavy chain 7; minus strand), LOC126861897 (BRD4-independent group 4 enhancer GRCh37_chr14:23884455-23885654; plus strand). Cytogenetic location: 14q11.2.
Variant type: single nucleotide variant.
Coding change: c.5000T>C on transcript NM_000257.4 (MANE Select); coding-DNA position 5000, T replaced by C.
Protein change: p.Leu1667Pro; replaces leucine 1667 with proline.
Molecular consequence: missense variant. On other transcripts: non-coding transcript variant (1).
Genome position (GRCh38, 1-based): chr14:23,415,786, A>G on the plus strand (T>C on the coding strand, the complement: MYH7 is on the minus strand). VCF-style: chr14-23415786-A-G. GRCh37 (hg19) VCF-style: chr14-23884995-A-G.
Other names: c.5000T>C, p.Leu1667Pro (NM_001407004.1); short protein forms L1667P.
Identifiers: ClinVar variation 3636001 (VCV003636001.3).